The following is an entry in ClinVar:

ClinVar aggregate classification (germline): Uncertain significance (1 of 4 stars; one submission).

Allele frequency attached by ClinVar (database versions not stated): ExAC 0.00003.

Submission:

Labcorp Genetics (formerly Invitae), Labcorp
Classification: Uncertain significance. Last evaluated: 2025-01-01. Review status: criteria provided, single submitter. Criteria: Invitae Variant Classification Sherloc (09022015). Collection method: clinical testing. Allele origin: germline.
Comment: This sequence change replaces serine, which is neutral and polar, with phenylalanine, which is neutral and non-polar, at codon 19 of the LEMD3 protein (p.Ser19Phe). This variant is not present in population databases (gnomAD no frequency). This variant has not been reported in the literature in individuals affected with LEMD3-related conditions. ClinVar contains an entry for this variant (Variation ID: 1060044). Invitae Evidence Modeling of protein sequence and biophysical properties (such as structural, functional, and spatial information, amino acid conservation, physicochemical variation, residue mobility, and thermodynamic stability) indicates that this missense variant is not expected to disrupt LEMD3 protein function with a negative predictive value of 80%. Algorithms developed to predict the effect of sequence changes on RNA splicing suggest that this variant may create or strengthen a splice site. In summary, the available evidence is currently insufficient to determine the role of this variant in disease. Therefore, it has been classified as a Variant of Uncertain Significance.

NM_014319.5(LEMD3):c.56C>T (p.Ser19Phe)

Gene: LEMD3 (LEM domain containing 3; plus strand). Cytogenetic location: 12q14.3.
Variant type: single nucleotide variant.
Coding change: c.56C>T on transcript NM_014319.5 (MANE Select); coding-DNA position 56, C replaced by T.
Protein change: p.Ser19Phe; replaces serine 19 with phenylalanine.
Molecular consequence: missense variant.
Genome position (GRCh38, 1-based): chr12:65,169,652, C>T. VCF-style: chr12-65169652-C-T. GRCh37 (hg19) VCF-style: chr12-65563432-C-T.
Other names: c.56C>T, p.Ser19Phe (NM_001167614.2); short protein forms S19F.
Identifiers: ClinVar variation 1060044 (VCV001060044.9), dbSNP rs780968500, ClinGen allele CA6670661.
Genomic context (GRCh38, chr12:65,169,652, plus strand): 5'-AGAAAATGGCGGCGGCAGCAGCTTCGGCGCCTCAGCAGCTCTCGGATGAGGAGCTTTTCT[C>T]TCAGCTCCGCCGTTACGGCCTGTCTCCCGGACCAGTGACGGAGAGCACCCGCCCGGTCTA-3'
Protein context (NP_055134.2, residues 9-29): PQQLSDEELF[Ser19Phe]QLRRYGLSPG